The following is an entry in ClinVar:

NM_007315.4(STAT1):c.1856G>A (p.Arg619Gln)

Gene: STAT1 (signal transducer and activator of transcription 1; minus strand). Cytogenetic location: 2q32.2.
Variant type: single nucleotide variant.
Coding change: c.1856G>A on transcript NM_007315.4 (MANE Select); coding-DNA position 1856, G replaced by A.
Protein change: p.Arg619Gln; replaces arginine 619 with glutamine.
Molecular consequence: missense variant.
Genome position (GRCh38, 1-based): chr2:190,978,873, C>T on the plus strand (G>A on the coding strand, the complement: STAT1 is on the minus strand). VCF-style: chr2-190978873-C-T. GRCh37 (hg19) VCF-style: chr2-191843599-C-T.
Other names: c.1796G>A, p.Arg599Gln (NM_001384880.1); c.1862G>A, p.Arg621Gln (NM_001384881.1, NM_001384884.1); c.1850G>A, p.Arg617Gln (NM_001384882.1); c.1757G>A, p.Arg586Gln (NM_001384883.1); c.1697G>A, p.Arg566Gln (NM_001384885.1); c.1856G>A, p.Arg619Gln (NM_001384886.1, NM_001384889.1, NM_139266.3); c.1763G>A, p.Arg588Gln (NM_001384887.1); c.1826G>A, p.Arg609Gln (NM_001384888.1); and 2 more; short protein forms R619Q, R566Q, R586Q, R588Q, R589Q, R599Q, R609Q, R617Q.
Identifiers: ClinVar variation 946599 (VCV000946599.11), dbSNP rs369060692, ClinGen allele CA2029804.

ClinVar aggregate classification (germline): Uncertain significance. Review status: criteria provided, multiple submitters, no conflicts (2 of 4 stars). 2 submissions from 2 submitters: Uncertain significance (2). Last evaluated 2023-05-05.

Conditions:
Immunodeficiency 31B. Also called: STAT1 DEFICIENCY, AUTOSOMAL RECESSIVE; IMMUNODEFICIENCY 31B, MYCOBACTERIAL AND VIRAL INFECTIONS, AUTOSOMAL RECESSIVE. Identifiers: Orphanet 391311, MedGen C3151088, MONDO:0013427, OMIM 613796.
Autoimmune enteropathy and endocrinopathy - susceptibility to chronic infections syndrome. Also called: Immunodeficiency 31C, autosomal dominant; Immunodeficiency 31C. Identifiers: Orphanet 391487, MedGen C3279990, MONDO:0013599, OMIM 614162.
Mendelian susceptibility to mycobacterial diseases due to partial STAT1 deficiency. Also called: IMMUNODEFICIENCY 31A, MYCOBACTERIOSIS, AUTOSOMAL DOMINANT; STAT1 DEFICIENCY, AUTOSOMAL DOMINANT; Immunodeficiency 31a. Identifiers: Orphanet 319595, MedGen C4013950, MONDO:0013956, OMIM 614892.
Inborn genetic diseases. Identifiers: MedGen C0950123, MeSH D030342.

Allele frequency attached by ClinVar (database versions not stated): ExAC 0.00001; gnomAD exomes 0.00001 and 0.00003; gnomAD 0.00003 and 0.00004; TOPMed 0.00005; ESP Exome Variant Server 0.00008.
gnomAD v4.1: 47 of 1,613,910 alleles (0.0029%); highest among the groups gnomAD compares: Middle Eastern, 0.033%; no homozygotes.

Submissions (2):

Ambry Genetics
Classification: Uncertain significance for Inborn genetic diseases. Last evaluated: 2023-05-05. Review status: criteria provided, single submitter. Criteria: Ambry Variant Classification Scheme 2023. Collection method: clinical testing. Allele origin: germline.

Labcorp Genetics (formerly Invitae), Labcorp
Classification: Uncertain significance for Mendelian susceptibility to mycobacterial diseases due to partial STAT1 deficiency; Immunodeficiency 31B; Autoimmune enteropathy and endocrinopathy - susceptibility to chronic infections syndrome. Last evaluated: 2022-02-18. Review status: criteria provided, single submitter. Criteria: Invitae Variant Classification Sherloc (09022015). Collection method: clinical testing. Allele origin: germline.
Comment: This sequence change replaces arginine, which is basic and polar, with glutamine, which is neutral and polar, at codon 619 of the STAT1 protein (p.Arg619Gln). In summary, the available evidence is currently insufficient to determine the role of this variant in disease. Therefore, it has been classified as a Variant of Uncertain Significance. Algorithms developed to predict the effect of missense changes on protein structure and function (SIFT, PolyPhen-2, Align-GVGD) all suggest that this variant is likely to be tolerated. ClinVar contains an entry for this variant (Variation ID: 946599). This variant has not been reported in the literature in individuals affected with STAT1-related conditions. This variant is present in population databases (rs369060692, gnomAD 0.008%).